The following is an entry in ClinVar:

NM_000138.5(FBN1):c.962C>T (p.Thr321Ile)

Gene: FBN1 (fibrillin 1; minus strand). Cytogenetic location: 15q21.1.
Variant type: single nucleotide variant.
Coding change: c.962C>T on transcript NM_000138.5 (MANE Select); coding-DNA position 962, C replaced by T.
Protein change: p.Thr321Ile; replaces threonine 321 with isoleucine.
Molecular consequence: missense variant.
Genome position (GRCh38, 1-based): chr15:48,526,156, G>A on the plus strand (C>T on the coding strand, the complement: FBN1 is on the minus strand). VCF-style: chr15-48526156-G-A. GRCh37 (hg19) VCF-style: chr15-48818353-G-A.
Other names: short protein forms T321I.
Identifiers: ClinVar variation 850750 (VCV000850750.10), dbSNP rs2043911873, ClinGen allele CA392349729.

ClinVar aggregate classification (germline): Uncertain significance. Review status: criteria provided, single submitter (1 of 4 stars). 2 submissions from 2 submitters: Uncertain significance (1). 1 of the submissions does not count toward it. Last evaluated 2025-06-06.

Conditions:
Familial thoracic aortic aneurysm and aortic dissection (TAAD). Also called: Thoracic aortic aneurysms and dissections. Identifiers: Orphanet 91387, MedGen C4707243, MONDO:0019625.
Marfan syndrome (MFS). Also called: FBN1-Related Marfan Syndrome; Marfan's syndrome; MARFAN SYNDROME, TYPE I; Marfan syndrome type 1; Marfan syndrome, classic. Identifiers: Orphanet 284963, Orphanet 558, MedGen C0024796, MONDO:0007947, OMIM 154700.
FBN1-related disorder. Also called: FBN1-related disorders.

Submissions (2):

Labcorp Genetics (formerly Invitae), Labcorp
Classification: Uncertain significance for Marfan syndrome; Familial thoracic aortic aneurysm and aortic dissection. Last evaluated: 2025-06-06. Review status: criteria provided, single submitter. Criteria: Invitae Variant Classification Sherloc (09022015). Collection method: clinical testing. Allele origin: germline.
Comment: This sequence change replaces threonine, which is neutral and polar, with isoleucine, which is neutral and non-polar, at codon 321 of the FBN1 protein (p.Thr321Ile). This variant is not present in population databases (gnomAD no frequency). This variant has not been reported in the literature in individuals affected with FBN1-related conditions. ClinVar contains an entry for this variant (Variation ID: 850750). Invitae Evidence Modeling of protein sequence and biophysical properties (such as structural, functional, and spatial information, amino acid conservation, physicochemical variation, residue mobility, and thermodynamic stability) has been performed for this missense variant. However, the output from this modeling did not meet the statistical confidence thresholds required to predict the impact of this variant on FBN1 protein function. In summary, the available evidence is currently insufficient to determine the role of this variant in disease. Therefore, it has been classified as a Variant of Uncertain Significance.

PreventionGenetics, part of Exact Sciences
Classification: Uncertain significance for FBN1-related condition. Last evaluated: 2023-10-18. Review status: no assertion criteria provided. Collection method: clinical testing. Allele origin: germline. Not counted in ClinVar's aggregate classification.
Comment: The FBN1 c.962C>T variant is predicted to result in the amino acid substitution p.Thr321Ile. To our knowledge, this variant has not been reported in the literature or in a large population database, indicating this variant is rare. At this time, the clinical significance of this variant is uncertain due to the absence of conclusive functional and genetic evidence.